The following is an entry in ClinVar:

ClinVar aggregate classification (germline): Uncertain significance (1 of 4 stars; one submission).

Conditions:
Familial adenomatous polyposis 1 (FAP1). Also called: POLYPOSIS, ADENOMATOUS INTESTINAL; FAMILIAL ADENOMATOUS POLYPOSIS 1, ATTENUATED. Identifiers: MedGen C2713442, MONDO:0021056, OMIM 175100. Disease mechanism: loss of function.

gnomAD v4.1: 1 of 1,614,098 alleles (0.000062%); no homozygotes.

Submission:

Labcorp Genetics (formerly Invitae), Labcorp
Classification: Uncertain significance for Familial adenomatous polyposis 1. Last evaluated: 2018-05-01. Review status: criteria provided, single submitter. Criteria: Invitae Variant Classification Sherloc (09022015). Collection method: clinical testing. Allele origin: germline.
Comment: This variant has not been reported in the literature in individuals with APC-related disease. This sequence change replaces proline with threonine at codon 1740 of the APC protein (p.Pro1740Thr). The proline residue is highly conserved and there is a small physicochemical difference between proline and threonine. This variant is not present in population databases (ExAC no frequency). Algorithms developed to predict the effect of missense changes on protein structure and function do not agree on the potential impact of this missense change (SIFT: "Deleterious"; PolyPhen-2: "Probably Damaging"; Align-GVGD: "Class C0"). In summary, the available evidence is currently insufficient to determine the role of this variant in disease. Therefore, it has been classified as a Variant of Uncertain Significance.

NM_000038.6(APC):c.5218C>A (p.Pro1740Thr)

Gene: APC (APC regulator of Wnt signaling pathway; plus strand). Cytogenetic location: 5q22.2.
Variant type: single nucleotide variant.
Coding change: c.5218C>A on transcript NM_000038.6 (MANE Select); coding-DNA position 5218, C replaced by A.
Protein change: p.Pro1740Thr; replaces proline 1740 with threonine.
Molecular consequence: missense variant.
Genome position (GRCh38, 1-based): chr5:112,840,812, C>A. VCF-style: chr5-112840812-C-A. GRCh37 (hg19) VCF-style: chr5-112176509-C-A.
Other names: c.5218C>A, p.Pro1740Thr (NM_001127510.3, NM_001354895.2); c.5164C>A, p.Pro1722Thr (NM_001127511.3); c.5272C>A, p.Pro1758Thr (NM_001354896.2); c.5248C>A, p.Pro1750Thr (NM_001354897.2); c.5143C>A, p.Pro1715Thr (NM_001354898.2); c.5134C>A, p.Pro1712Thr (NM_001354899.2); c.5095C>A, p.Pro1699Thr (NM_001354900.2); c.5041C>A, p.Pro1681Thr (NM_001354901.2); and 5 more; short protein forms P1740T, P1722T, P1639T, P1649T, P1712T, P1758T, P1614T, P1681T.
Identifiers: ClinVar variation 573474 (VCV000573474.10), dbSNP rs1332889016, ClinGen allele CA16032737.